The following is an entry in ClinVar:

ClinVar aggregate classification (germline): Uncertain significance (1 of 4 stars; one submission).

Conditions:
Autoimmune lymphoproliferative syndrome type 1. Also called: AUTOIMMUNE LYMPHOPROLIFERATIVE SYNDROME, TYPE I, AUTOSOMAL DOMINANT. Identifiers: Orphanet 3261, MedGen C2717884, MONDO:0011158, OMIM 601859.

gnomAD v4.1: 2 of 1,613,898 alleles (0.00012%); highest among the groups gnomAD compares: Non-Finnish European, 0.000085%; no homozygotes.

Submission:

Labcorp Genetics (formerly Invitae), Labcorp
Classification: Uncertain significance for Autoimmune lymphoproliferative syndrome. Last evaluated: 2025-08-18. Review status: criteria provided, single submitter. Criteria: Invitae Variant Classification Sherloc (09022015). Collection method: clinical testing. Allele origin: germline.
Comment: This sequence change replaces valine, which is neutral and non-polar, with isoleucine, which is neutral and non-polar, at codon 139 of the FAS protein (p.Val139Ile). This variant is not present in population databases (gnomAD no frequency). This variant has not been reported in the literature in individuals affected with FAS-related conditions. ClinVar contains an entry for this variant (Variation ID: 2845202). Invitae Evidence Modeling of protein sequence and biophysical properties (such as structural, functional, and spatial information, amino acid conservation, physicochemical variation, residue mobility, and thermodynamic stability) has been performed for this missense variant. However, the output from this modeling did not meet the statistical confidence thresholds required to predict the impact of this variant on FAS protein function. In summary, the available evidence is currently insufficient to determine the role of this variant in disease. Therefore, it has been classified as a Variant of Uncertain Significance.

NM_000043.6(FAS):c.415G>A (p.Val139Ile)

Gene: FAS (Fas cell surface death receptor; plus strand). Cytogenetic location: 10q23.31.
Variant type: single nucleotide variant.
Coding change: c.415G>A on transcript NM_000043.6 (MANE Select); coding-DNA position 415, G replaced by A.
Protein change: p.Val139Ile; replaces valine 139 with isoleucine.
Molecular consequence: missense variant. On other transcripts: non-coding transcript variant (1).
Genome position (GRCh38, 1-based): chr10:89,008,969, G>A. VCF-style: chr10-89008969-G-A. GRCh37 (hg19) VCF-style: chr10-90768726-G-A.
Other names: c.415G>A, p.Val139Ile (NM_001320619.2, NM_152871.4, NM_152872.4); c.460G>A, p.Val154Ile (NM_001410956.1); short protein forms V154I, V139I.
Identifiers: ClinVar variation 2845202 (VCV002845202.3), dbSNP rs764476788, ClinGen allele CA377508772.